The following is an entry in ClinVar:

NM_000053.4(ATP7B):c.2666A>T (p.His889Leu)

Gene: ATP7B (ATPase copper transporting beta; minus strand). Cytogenetic location: 13q14.3.
Variant type: single nucleotide variant.
Coding change: c.2666A>T on transcript NM_000053.4 (MANE Select); coding-DNA position 2666, A replaced by T.
Protein change: p.His889Leu; replaces histidine 889 with leucine.
Molecular consequence: missense variant.
Genome position (GRCh38, 1-based): chr13:51,950,071, T>A on the plus strand (A>T on the coding strand, the complement: ATP7B is on the minus strand). VCF-style: chr13-51950071-T-A. GRCh37 (hg19) VCF-style: chr13-52524207-T-A.
Other names: c.2180A>T, p.His727Leu (NM_001005918.3, NM_001406541.1, NM_001406542.1 and 1 more transcripts); c.2333A>T, p.His778Leu (NM_001243182.2); c.2432A>T, p.His811Leu (NM_001330578.2, NM_001406527.1, NM_001406528.1 and 2 more transcripts); c.2414A>T, p.His805Leu (NM_001330579.2, NM_001406531.1, NM_001406532.1 and 1 more transcripts); c.2666A>T, p.His889Leu (NM_001406511.1, NM_001406512.1, NM_001406513.1 and 7 more transcripts); c.2633A>T, p.His878Leu (NM_001406514.1); c.2570A>T, p.His857Leu (NM_001406517.1, NM_001406518.1); c.2522A>T, p.His841Leu (NM_001406520.1, NM_001406521.1, NM_001406522.1 and 1 more transcripts); and 8 more; short protein forms H459L, H673L, H695L, H727L, H746L, H773L, H778L, H779L.
Identifiers: ClinVar variation 2581394 (VCV002581394.1), dbSNP rs1202275017, ClinGen allele CA388034438.

ClinVar aggregate classification (germline): Uncertain significance (1 of 4 stars; one submission).

Submission:

Women's Health and Genetics/Laboratory Corporation of America, LabCorp
Classification: Uncertain significance. Last evaluated: 2023-08-28. Review status: criteria provided, single submitter. Criteria: LabCorp Variant Classification Summary - May 2015. Collection method: clinical testing. Allele origin: germline.
Comment: Variant summary: ATP7B c.2666A>T (p.His889Leu) results in a non-conservative amino acid change in the encoded protein sequence. Five of five in-silico tools predict a damaging effect of the variant on protein function. The variant allele was found at a frequency of 4e-06 in 249584 control chromosomes (gnomAD). The available data on variant occurrences in the general population are insufficient to allow any conclusion about variant significance. To our knowledge, no occurrence of c.2666A>T in individuals affected with Wilson Disease and no experimental evidence demonstrating its impact on protein function have been reported. No submitters have cited clinical-significance assessments for this variant to ClinVar after 2014. Based on the evidence outlined above, the variant was classified as uncertain significance.